The following is an entry in ClinVar:

NM_004006.3(DMD):c.6170G>T (p.Ser2057Ile)

Gene: DMD (dystrophin; minus strand). Cytogenetic location: Xp21.1.
Variant type: single nucleotide variant.
Coding change: c.6170G>T on transcript NM_004006.3 (MANE Select); coding-DNA position 6170, G replaced by T.
Protein change: p.Ser2057Ile; replaces serine 2057 with isoleucine.
Molecular consequence: missense variant.
Genome position (GRCh38, 1-based): chrX:32,287,649, C>A on the plus strand (G>T on the coding strand, the complement: DMD is on the minus strand). VCF-style: chrX-32287649-C-A. GRCh37 (hg19) VCF-style: chrX-32305766-C-A.
Other names: c.6146G>T, p.Ser2049Ile (NM_000109.4); c.6158G>T, p.Ser2053Ile (NM_004009.3); c.5801G>T, p.Ser1934Ile (NM_004010.3); c.2147G>T, p.Ser716Ile (NM_004011.4); c.2138G>T, p.Ser713Ile (NM_004012.4); short protein forms S716I, S1934I, S2053I, S713I, S2049I, S2057I.
Identifiers: ClinVar variation 955855 (VCV000955855.8), dbSNP rs1269996314, ClinGen allele CA412666305.

ClinVar aggregate classification (germline): Uncertain significance. Review status: criteria provided, single submitter (1 of 4 stars). 2 submissions from 2 submitters: Uncertain significance (1). 1 of the submissions does not count toward it. Last evaluated 2025-12-14.

Conditions:
Duchenne muscular dystrophy (DMD). Also called: MUSCULAR DYSTROPHY, PSEUDOHYPERTROPHIC PROGRESSIVE, DUCHENNE TYPE; Duchenne Muscular Dystrophy (DMD). Identifiers: Orphanet 98896, MedGen C0013264, MONDO:0010679, OMIM 310200.
Dystrophin deficiency.
Becker muscular dystrophy (BMD). Also called: MUSCULAR DYSTROPHY, PSEUDOHYPERTROPHIC PROGRESSIVE, BECKER TYPE; Becker Muscular Dystrophy (BMD). Identifiers: Orphanet 98895, MedGen C0917713, MONDO:0010311, OMIM 300376.
Cardiomyopathy (CMYO). Also called: Cardiomyopathies. Identifiers: Orphanet 167848, MedGen C0878544, MONDO:0004994, HP:0001638. Inheritance: Various modes of inheritance.

Allele frequency attached by ClinVar (database versions not stated): TOPMed below 0.00001; gnomAD 0.00001.
gnomAD v4.1: 1 of 1,208,159 alleles (0.000083%); highest among the groups gnomAD compares: Non-Finnish European, 0.00011%; no homozygotes.

Submissions (2):

Labcorp Genetics (formerly Invitae), Labcorp
Classification: Uncertain significance for Duchenne muscular dystrophy. Last evaluated: 2025-12-14. Review status: criteria provided, single submitter. Criteria: Invitae Variant Classification Sherloc (09022015). Collection method: clinical testing. Allele origin: germline.
Comment: This sequence change replaces serine, which is neutral and polar, with isoleucine, which is neutral and non-polar, at codon 2057 of the DMD protein (p.Ser2057Ile). This variant is not present in population databases (gnomAD no frequency). This variant has not been reported in the literature in individuals affected with DMD-related conditions. ClinVar contains an entry for this variant (Variation ID: 955855). Invitae Evidence Modeling of protein sequence and biophysical properties (such as structural, functional, and spatial information, amino acid conservation, physicochemical variation, residue mobility, and thermodynamic stability) indicates that this missense variant is not expected to disrupt DMD protein function with a negative predictive value of 95%. In summary, the available evidence is currently insufficient to determine the role of this variant in disease. Therefore, it has been classified as a Variant of Uncertain Significance.

Natera, Inc.
Classification: Uncertain significance for Becker muscular dystrophy; Cardiomyopathy; Duchenne muscular dystrophy; Dystrophin deficiency. Last evaluated: 2019-11-14. Review status: no assertion criteria provided. Collection method: clinical testing. Allele origin: germline. Not counted in ClinVar's aggregate classification.